The following is an entry in ClinVar:

NM_000117.3(EMD):c.433G>A (p.Glu145Lys)

Gene: EMD (emerin; plus strand). Cytogenetic location: Xq28.
Variant type: single nucleotide variant.
Coding change: c.433G>A on transcript NM_000117.3 (MANE Select); coding-DNA position 433, G replaced by A.
Protein change: p.Glu145Lys; replaces glutamic acid 145 with lysine.
Molecular consequence: missense variant.
Genome position (GRCh38, 1-based): chrX:154,380,786, G>A. VCF-style: chrX-154380786-G-A. GRCh37 (hg19) VCF-style: chrX-153609146-G-A.
Other names: short protein forms E145K.
Identifiers: ClinVar variation 1199347 (VCV001199347.10), dbSNP rs2067882908, ClinGen allele CA415258284.
Genomic context (GRCh38, chrX:154,380,786, plus strand): 5'-TCCCCTCGCCCTGACTCTCTTCTGCAGGTGCATGATGACGATCTTTTGTCTTCTTCTGAA[G>A]AGGAGTGCAAGGATAGGTGCGTAGTGGGGGAGCCCAGGGACGGGCTGGTTCTGGGTCCAG-3'
Protein context (NP_000108.1, residues 135-155): HDDDLLSSSE[Glu145Lys]ECKDRERPMY

ClinVar aggregate classification (germline): Uncertain significance. Review status: criteria provided, multiple submitters, no conflicts (2 of 4 stars). 3 submissions from 3 submitters: Uncertain significance (3). Last evaluated 2025-12-24.

Conditions:
X-linked Emery-Dreifuss muscular dystrophy. Also called: Muscular dystrophy, tardive Emery-Dreifuss type, with contractures. Identifiers: Orphanet 261, Orphanet 98863, MedGen C0751337, MONDO:0010680.

Allele frequency attached by ClinVar (database versions not stated): gnomAD exomes 0.00001; TOPMed below 0.00001.
gnomAD v4.1: 4 of 1,212,129 alleles (0.00033%); highest among the groups gnomAD compares: Non-Finnish European, 0.00045%; no homozygotes.

Submissions (5):

Labcorp Genetics (formerly Invitae), Labcorp
Classification: Uncertain significance for X-linked Emery-Dreifuss muscular dystrophy. Last evaluated: 2025-12-24. Review status: criteria provided, single submitter. Criteria: Invitae Variant Classification Sherloc (09022015). Collection method: clinical testing. Allele origin: germline.
Comment: This sequence change replaces glutamic acid, which is acidic and polar, with lysine, which is basic and polar, at codon 145 of the EMD protein (p.Glu145Lys). This variant is not present in population databases (gnomAD no frequency). This variant has not been reported in the literature in individuals affected with EMD-related conditions. ClinVar contains an entry for this variant (Variation ID: 1199347). Invitae Evidence Modeling of protein sequence and biophysical properties (such as structural, functional, and spatial information, amino acid conservation, physicochemical variation, residue mobility, and thermodynamic stability) indicates that this missense variant is not expected to disrupt EMD protein function with a negative predictive value of 80%. In summary, the available evidence is currently insufficient to determine the role of this variant in disease. Therefore, it has been classified as a Variant of Uncertain Significance.

GeneDx
Classification: Uncertain significance. Last evaluated: 2025-06-04. Review status: criteria provided, single submitter. Criteria: GeneDx Variant Classification Process June 2021. Collection method: clinical testing. Allele origin: germline. Affected: yes.
Comment: Not observed at significant frequency in large population cohorts (gnomAD); Missense variants in this gene are a common cause of disease and they are underrepresented in the general population; In silico analysis suggests that this missense variant does not alter protein structure/function; In silico analysis suggests this variant may impact gene splicing. In the absence of RNA/functional studies, the actual effect of this sequence change is unknown.; Has not been previously published as pathogenic or benign to our knowledge

Genome-Nilou Lab
Classification: Uncertain significance for Emery-Dreifuss muscular dystrophy 1, X-linked. Last evaluated: 2021-07-14. Review status: criteria provided, single submitter. Criteria: ACMG Guidelines, 2015. Collection method: clinical testing. Allele origin: germline. Affected: no.

Dr. Peter K. Rogan Lab, Western University
No classification provided (evidence only). Condition: Thyroid cancer, nonmedullary, 1. Review status: no classification provided. Collection method: in vitro. Allele origin: not applicable. Functional consequence: retained intron. Not counted in ClinVar's aggregate classification.

Dr. Peter K. Rogan Lab, Western University
No classification provided (evidence only). Condition: Thyroid cancer, nonmedullary, 1. Review status: no classification provided. Collection method: in vitro. Allele origin: not applicable. Functional consequence: retained intron. Not counted in ClinVar's aggregate classification.